The following is an entry in ClinVar:

NM_001048174.2(MUTYH):c.1361A>T (p.His454Leu)

Gene: MUTYH (mutY DNA glycosylase; minus strand). Cytogenetic location: 1p34.1.
Variant type: single nucleotide variant.
Coding change: c.1361A>T on transcript NM_001048174.2 (MANE Select); coding-DNA position 1361, A replaced by T.
Protein change: p.His454Leu; replaces histidine 454 with leucine.
Molecular consequence: missense variant. On other transcripts: non-coding transcript variant (7).
Genome position (GRCh38, 1-based): chr1:45,331,213, T>A on the plus strand (A>T on the coding strand, the complement: MUTYH is on the minus strand). VCF-style: chr1-45331213-T-A. GRCh37 (hg19) VCF-style: chr1-45796885-T-A.
Other names: c.1361A>T, p.His454Leu (NM_001048171.2, NM_001048173.2, NM_001293195.2 and 6 more transcripts); c.1364A>T, p.His455Leu (NM_001048172.2, NM_001407086.1, NM_001407071.1 and 1 more transcripts); c.1445A>T, p.His482Leu (NM_001128425.2); c.1406A>T, p.His469Leu (NM_001293190.2); c.1394A>T, p.His465Leu (NM_001293191.2, NM_001407069.1, NM_001407077.1); c.1085A>T, p.His362Leu (NM_001293192.2, NM_001293196.2, NM_001407091.1); c.1016A>T, p.His339Leu (NM_001350650.2, NM_001350651.2, NM_001407082.1); c.1403A>T, p.His468Leu (NM_001407083.1, NM_001407085.1); and 5 more; short protein forms H461L, H482L, H362L, H441L, H339L, H426L, H440L, H455L.
Identifiers: ClinVar variation 4113257 (VCV004113257.1).

ClinVar aggregate classification (germline): Uncertain significance (1 of 4 stars; one submission).

Conditions:
Hereditary cancer-predisposing syndrome. Also called: Tumor predisposition; Neoplastic Syndromes, Hereditary; Hereditary neoplastic syndrome; Hereditary Cancer Syndrome. Identifiers: Orphanet 140162, MedGen C0027672, MeSH D009386, MONDO:0015356.

Submission:

Ambry Genetics
Classification: Uncertain significance for Hereditary cancer-predisposing syndrome. Last evaluated: 2025-08-27. Review status: criteria provided, single submitter. Criteria: Ambry Variant Classification Scheme 2023. Collection method: clinical testing. Allele origin: germline.
Comment: The p.H482L variant (also known as c.1445A>T), located in coding exon 14 of the MUTYH gene, results from an A to T substitution at nucleotide position 1445. The histidine at codon 482 is replaced by leucine, an amino acid with similar properties. This amino acid position is conserved. In addition, the in silico prediction for this alteration is inconclusive. Based on the available evidence, the clinical significance of this variant remains unclear.